The following is an entry in ClinVar:

NM_020774.4(MIB1):c.1771A>T (p.Ile591Phe)

Gene: MIB1 (MIB E3 ubiquitin protein ligase 1; plus strand). Cytogenetic location: 18q11.2.
Variant type: single nucleotide variant.
Coding change: c.1771A>T on transcript NM_020774.4 (MANE Select); coding-DNA position 1771, A replaced by T.
Protein change: p.Ile591Phe; replaces isoleucine 591 with phenylalanine.
Molecular consequence: missense variant.
Genome position (GRCh38, 1-based): chr18:21,819,588, A>T. VCF-style: chr18-21819588-A-T. GRCh37 (hg19) VCF-style: chr18-19399549-A-T.
Other names: short protein forms I591F.
Identifiers: ClinVar variation 1302642 (VCV001302642.3), dbSNP rs149201924, ClinGen allele CA8908364.

ClinVar aggregate classification (germline): Uncertain significance (1 of 4 stars; one submission).

Allele frequency attached by ClinVar (database versions not stated): gnomAD 0.00011 and 0.00012; TOPMed 0.00014; ESP Exome Variant Server 0.00031.

Submission:

GeneDx
Classification: Uncertain significance. Last evaluated: 2024-06-10. Review status: criteria provided, single submitter. Criteria: GeneDx Variant Classification Process June 2021. Collection method: clinical testing. Allele origin: germline. Affected: yes.
Comment: In silico analysis indicates that this missense variant does not alter protein structure/function; This variant is associated with the following publications: (PMID: 32880476)